The following is an entry in ClinVar:

NM_014762.4(DHCR24):c.250C>G (p.Gln84Glu)

Gene: DHCR24 (24-dehydrocholesterol reductase; minus strand). Cytogenetic location: 1p32.3.
Variant type: single nucleotide variant.
Coding change: c.250C>G on transcript NM_014762.4 (MANE Select); coding-DNA position 250, C replaced by G.
Protein change: p.Gln84Glu; replaces glutamine 84 with glutamic acid.
Molecular consequence: missense variant.
Genome position (GRCh38, 1-based): chr1:54,883,755, G>C on the plus strand (C>G on the coding strand, the complement: DHCR24 is on the minus strand). VCF-style: chr1-54883755-G-C. GRCh37 (hg19) VCF-style: chr1-55349428-G-C.
Other names: c.250C>G (NM_014762.3); short protein forms Q84E.
Identifiers: ClinVar variation 2083631 (VCV002083631.4), dbSNP rs751131414, ClinGen allele CA870868.
Genomic context (GRCh38, chr1:54,883,755, plus strand): 5'-CACGTAGTGAGACAGTGAGCCAGCCAGGGCGCCCCGTGCACATGAAGGTCTTGCTACCCT[G>C]CTCCTTCCATTCCCGCACCTGCAACCACAGGACAGAGGGTGAGCTGGCCCCACTGGGAAT-3'
Protein context (NP_055577.1, residues 74-94): IQKQVREWKE[Gln84Glu]GSKTFMCTGR

ClinVar aggregate classification (germline): Uncertain significance. Review status: criteria provided, multiple submitters, no conflicts (2 of 4 stars). 2 submissions from 2 submitters: Uncertain significance (2). Last evaluated 2023-12-17.

Conditions:
Inborn genetic diseases. Identifiers: MedGen C0950123, MeSH D030342.

Allele frequency attached by ClinVar (database versions not stated): ExAC 0.00001; gnomAD 0.00003; TOPMed 0.00005.
gnomAD v4.1: 9 of 1,614,070 alleles (0.00056%); highest among the groups gnomAD compares: African/African-American, 0.011%; no homozygotes.

Submissions (2):

Ambry Genetics
Classification: Uncertain significance for Inborn genetic diseases. Last evaluated: 2023-12-17. Review status: criteria provided, single submitter. Criteria: Ambry Variant Classification Scheme 2023. Collection method: clinical testing. Allele origin: germline.

Labcorp Genetics (formerly Invitae), Labcorp
Classification: Uncertain significance. Last evaluated: 2022-07-25. Review status: criteria provided, single submitter. Criteria: Invitae Variant Classification Sherloc (09022015). Collection method: clinical testing. Allele origin: germline.
Comment: In summary, the available evidence is currently insufficient to determine the role of this variant in disease. Therefore, it has been classified as a Variant of Uncertain Significance. Algorithms developed to predict the effect of missense changes on protein structure and function output the following: SIFT: "Tolerated"; PolyPhen-2: "Benign"; Align-GVGD: "Class C0". The glutamic acid amino acid residue is found in multiple mammalian species, which suggests that this missense change does not adversely affect protein function. This variant has not been reported in the literature in individuals affected with DHCR24-related conditions. This variant is present in population databases (rs751131414, gnomAD 0.007%). This sequence change replaces glutamine, which is neutral and polar, with glutamic acid, which is acidic and polar, at codon 84 of the DHCR24 protein (p.Gln84Glu).